The following is an entry in ClinVar:

NM_198578.4(LRRK2):c.5234A>C (p.Glu1745Ala)

Gene: LRRK2 (leucine rich repeat kinase 2; plus strand). Cytogenetic location: 12q12.
Variant type: single nucleotide variant.
Coding change: c.5234A>C on transcript NM_198578.4 (MANE Select); coding-DNA position 5234, A replaced by C.
Protein change: p.Glu1745Ala; replaces glutamic acid 1745 with alanine.
Molecular consequence: missense variant.
Genome position (GRCh38, 1-based): chr12:40,322,098, A>C. VCF-style: chr12-40322098-A-C. GRCh37 (hg19) VCF-style: chr12-40715900-A-C.
Other names: short protein forms E1745A.
Identifiers: ClinVar variation 3381597 (VCV003381597.1).

ClinVar aggregate classification (germline): Uncertain significance (1 of 4 stars; one submission).

gnomAD v4.1: 1 of 1,613,502 alleles (0.000062%); highest among the groups gnomAD compares: Non-Finnish European, 0.000085%; no homozygotes.

Submission:

GeneDx
Classification: Uncertain significance. Last evaluated: 2024-05-20. Review status: criteria provided, single submitter. Criteria: GeneDx Variant Classification Process June 2021. Collection method: clinical testing. Allele origin: germline. Affected: yes.
Comment: Not observed at significant frequency in large population cohorts (gnomAD); In silico analysis indicates that this missense variant does not alter protein structure/function; In silico analysis suggests this variant may impact gene splicing. In the absence of RNA/functional studies, the actual effect of this sequence change is unknown.; Has not been previously published as pathogenic or benign to our knowledge